The following is an entry in ClinVar:

ClinVar aggregate classification (germline): Pathogenic (1 of 4 stars; one submission).

Conditions:
Paragangliomas with sensorineural hearing loss. Identifiers: MedGen C1868633.
Pheochromocytoma. Also called: MAX-Related Hereditary Paraganglioma-Pheochromocytoma Syndrome. Identifiers: Orphanet 29072, MedGen C0031511, MONDO:0008233, OMIM 171300, HP:0002666.
Cowden syndrome 3 (CWS3). Identifiers: Orphanet 201, MedGen CN166604, MONDO:0014045.
Carney-Stratakis syndrome. Also called: PARAGANGLIOMA AND GASTROINTESTINAL STROMAL TUMOR. Identifiers: Orphanet 97286, MedGen C1847319, MONDO:0011740, OMIM 606864.

Submission:

Labcorp Genetics (formerly Invitae), Labcorp
Classification: Pathogenic for Carney-Stratakis syndrome; Paragangliomas with sensorineural hearing loss; Pheochromocytoma; Cowden syndrome 3. Last evaluated: 2021-01-31. Review status: criteria provided, single submitter. Criteria: Invitae Variant Classification Sherloc (09022015). Collection method: clinical testing. Allele origin: germline.
Comment: For these reasons, this variant has been classified as Pathogenic. This variant has been observed in individual(s) with paraganglioma (PMID: 19454582). This variant is not present in population databases (ExAC no frequency). This sequence change creates a premature translational stop signal (p.Leu75Cysfs*11) in the SDHD gene. It is expected to result in an absent or disrupted protein product. Loss-of-function variants in SDHD are known to be pathogenic (PMID: 19454582, 19802898).

Literature cited by the submitters: PubMed 19454582; PubMed 19802898.

NM_003002.4(SDHD):c.224del (p.Leu75fs)

Gene: SDHD (succinate dehydrogenase complex subunit D; plus strand). Cytogenetic location: 11q23.1.
Variant type: Deletion.
Coding change: c.224del on transcript NM_003002.4 (MANE Select); coding-DNA position 224, one base deleted (T; older notation c.224delT).
Protein change: p.Leu75fs; shifts the reading frame from leucine 75.
Molecular consequence: frameshift variant. On other transcripts: non-coding transcript variant (1), intron variant (1).
Genome position (GRCh38, 1-based): chr11:112,088,921, T deleted; the last of 4 consecutive T bases (chr11:112,088,918-112,088,921); deleting any one gives the same sequence. VCF-style (leftmost placement, unchanged base first): chr11-112088917-GT-G. GRCh37 (hg19) VCF-style: chr11-111959641-GT-G.
Other names: c.107del, p.Leu36fs (NM_001276504.2); c.224del, p.Leu75fs (NM_001276506.2); c.169+948del (NM_001276503.2); short protein forms L36fs, L75fs.
Identifiers: ClinVar variation 1457320 (VCV001457320.8), dbSNP rs2135269378, ClinGen allele CA2573146859.